The following is an entry in ClinVar:

NM_021729.6(VPS11):c.1761+15A>T

Gene: VPS11 (VPS11 core subunit of CORVET and HOPS complexes; plus strand). Cytogenetic location: 11q23.3.
Variant type: single nucleotide variant.
Coding change: c.1761+15A>T on transcript NM_021729.6 (MANE Select); 15 bases into the intron after coding-DNA position 1761, A replaced by T.
Molecular consequence: intron variant.
Genome position (GRCh38, 1-based): chr11:119,078,081, A>T. VCF-style: chr11-119078081-A-T. GRCh37 (hg19) VCF-style: chr11-118948791-A-T.
Other names: c.1773+15A>T (NM_001378219.1, NM_001378218.1); c.1746+15A>T (NM_001378220.1); c.1743+15A>T (NM_001378221.1); c.1731+15A>T (NM_001290185.2).
Identifiers: ClinVar variation 2696914 (VCV002696914.3), dbSNP rs1359231725, ClinGen allele CA2697558990.

ClinVar aggregate classification (germline): Uncertain significance (1 of 4 stars; one submission).

Submission:

Labcorp Genetics (formerly Invitae), Labcorp
Classification: Uncertain significance. Last evaluated: 2025-03-31. Review status: criteria provided, single submitter. Criteria: Invitae Variant Classification Sherloc (09022015). Collection method: clinical testing. Allele origin: germline.
Comment: This sequence change falls in intron 10 of the VPS11 gene. It does not directly change the encoded amino acid sequence of the VPS11 protein. This variant is not present in population databases (gnomAD no frequency). This variant has not been reported in the literature in individuals affected with VPS11-related conditions. ClinVar contains an entry for this variant (Variation ID: 2696914). Algorithms developed to predict the effect of sequence changes on RNA splicing suggest that this variant may create or strengthen a splice site. In summary, the available evidence is currently insufficient to determine the role of this variant in disease. Therefore, it has been classified as a Variant of Uncertain Significance.